The following is an entry in ClinVar:

NM_001081.4(CUBN):c.4168G>A (p.Gly1390Ser)

Gene: CUBN (cubilin; minus strand). Cytogenetic location: 10p13.
Variant type: single nucleotide variant.
Coding change: c.4168G>A on transcript NM_001081.4 (MANE Select); coding-DNA position 4168, G replaced by A.
Protein change: p.Gly1390Ser; replaces glycine 1390 with serine.
Molecular consequence: missense variant.
Genome position (GRCh38, 1-based): chr10:17,019,833, C>T on the plus strand (G>A on the coding strand, the complement: CUBN is on the minus strand). VCF-style: chr10-17019833-C-T. GRCh37 (hg19) VCF-style: chr10-17061832-C-T.
Other names: short protein forms G1390S.
Identifiers: ClinVar variation 56339 (VCV000056339.2), dbSNP rs386833787, ClinGen allele CA144293.

ClinVar aggregate classification (germline): Likely pathogenic (0 of 4 stars; one submission).

Conditions:
Imerslund-Grasbeck syndrome. Also called: PERNICIOUS ANEMIA, JUVENILE, DUE TO SELECTIVE INTESTINAL MALABSORPTION OF VITAMIN B12, WITH PROTEINURIA; Megaloblastic anemia due to inborn errors of metabolism; Imerslund-Gräsbeck syndrome; ENTEROCYTE COBALAMIN MALABSORPTION; ENTEROCYTE INTRINSIC FACTOR RECEPTOR, DEFECT OF. Identifiers: Orphanet 35858, MedGen C4551825, MONDO:0009853.

Allele frequency attached by ClinVar (database versions not stated): ExAC 0.00001; gnomAD exomes 0.00001 and 0.00002.
gnomAD v4.1: 30 of 1,614,090 alleles (0.0019%); highest among the groups gnomAD compares: African/African-American, 0.0027%; no homozygotes.

Submission:

Juha Muilu Group; Institute for Molecular Medicine Finland (FIMM)
Classification: Likely pathogenic for Megaloblastic anemia due to inborn errors of metabolism. Review status: no assertion criteria provided. Collection method: not provided. Allele origin: unknown.
Comment: FinDis database variant: This variant was not found or characterized by our laboratory, data were collected from public sources: see reference
ClinVar note: Converted during submission from probable-pathogenic to Likely pathogenic.